The following is an entry in ClinVar:

ClinVar aggregate classification (germline): Conflicting classifications of pathogenicity. Review status: criteria provided, conflicting classifications (1 of 4 stars). 5 submissions from 5 submitters: Uncertain significance (3); Likely benign (2). Last evaluated 2025-11-05.

Conditions:
TTN-related disorder. Also called: TTN-related condition; TTN-related disease; TTN-related disorders.
Cardiovascular phenotype. Identifiers: MedGen CN230736.

Allele frequency attached by ClinVar (database versions not stated): ExAC 0.00002; gnomAD exomes 0.00002 and 0.00003; TOPMed 0.00002; gnomAD 0.00003 and 0.00004.
gnomAD v4.1: 52 of 1,612,832 alleles (0.0032%); highest among the groups gnomAD compares: South Asian, 0.0044%; no homozygotes.

Submissions (5):

PreventionGenetics, part of Exact Sciences
Classification: Uncertain significance for TTN-related condition. Last evaluated: 2025-11-05. Review status: criteria provided, single submitter. Criteria: ACMG Guidelines, 2015. Collection method: clinical testing. Allele origin: germline.
Comment: The TTN c.70328G>A variant is predicted to result in the amino acid substitution p.Arg23443Gln. To our knowledge, this variant has not been reported in the literature. This variant is reported in 0.0065% of alleles in individuals of South Asian descent in gnomAD. At this time, the clinical significance of this variant is uncertain due to the absence of conclusive functional and genetic evidence.

Women's Health and Genetics/Laboratory Corporation of America, LabCorp
Classification: Uncertain significance. Last evaluated: 2024-11-18. Review status: criteria provided, single submitter. Criteria: LabCorp Variant Classification Summary - May 2015. Collection method: clinical testing. Allele origin: germline.
Comment: Variant summary: TTN c.62624G>A (p.Arg20875Gln) results in a conservative amino acid change in the encoded protein sequence. Four of four in-silico tools predict a benign effect of the variant on protein function. The variant allele was found at a frequency of 2.4e-05 in 248486 control chromosomes. The available data on variant occurrences in the general population are insufficient to allow any conclusion about variant significance. To our knowledge, no occurrence of c.62624G>A in individuals affected with Dilated Cardiomyopathy and no experimental evidence demonstrating its impact on protein function have been reported. ClinVar contains an entry for this variant (Variation ID: 1217906). Based on the evidence outlined above, the variant was classified as uncertain significance.

Revvity Omics, Revvity
Classification: Uncertain significance. Last evaluated: 2022-03-08. Review status: criteria provided, single submitter. Criteria: ACMG Guidelines, 2015. Collection method: clinical testing. Allele origin: germline.

Ambry Genetics
Classification: Likely benign for Cardiovascular phenotype. Last evaluated: 2019-05-21. Review status: criteria provided, single submitter. Criteria: Ambry Variant Classification Scheme 2023. Collection method: clinical testing. Allele origin: germline.

GeneDx
Classification: Likely benign. Last evaluated: 2019-02-21. Review status: criteria provided, single submitter. Criteria: GeneDx Variant Classification Process June 2021. Collection method: clinical testing. Allele origin: germline. Affected: yes.

NM_001267550.2(TTN):c.70328G>A (p.Arg23443Gln)

Genes: TTN (titin; minus strand), TTN-AS1 (TTN antisense RNA 1; plus strand), LOC126806422 (BRD4-independent group 4 enhancer GRCh37_chr2:179440205-179441404; plus strand). Cytogenetic location: 2q31.2.
Variant type: single nucleotide variant.
Coding change: c.70328G>A on transcript NM_001267550.2 (MANE Select); coding-DNA position 70328, G replaced by A.
Protein change: p.Arg23443Gln; replaces arginine 23443 with glutamine.
Molecular consequence: missense variant.
Genome position (GRCh38, 1-based): chr2:178,575,804, C>T on the plus strand (G>A on the coding strand, the complement: TTN is on the minus strand). VCF-style: chr2-178575804-C-T. GRCh37 (hg19) VCF-style: chr2-179440531-C-T.
Other names: c.65405G>A, p.Arg21802Gln (NM_001256850.1); c.43133G>A, p.Arg14378Gln (NM_003319.4); c.62624G>A, p.Arg20875Gln (NM_133378.4); c.43508G>A, p.Arg14503Gln (NM_133432.3); c.43709G>A, p.Arg14570Gln (NM_133437.4); short protein forms R14378Q, R14503Q, R14570Q, R20875Q, R21802Q, R23443Q.
Identifiers: ClinVar variation 1217906 (VCV001217906.10), dbSNP rs762529671, ClinGen allele CA1990802.